The following is an entry in ClinVar:

ClinVar aggregate classification (germline): Likely benign (0 of 4 stars; one submission).

Conditions:
TOP3B-related disorder. Also called: TOP3B-related condition.

Allele frequency attached by ClinVar (database versions not stated): ESP Exome Variant Server 0.00008; TOPMed 0.00010; gnomAD 0.00013; ExAC 0.00031; 1000 Genomes Project 0.00060; 1000 Genomes Project 30x 0.00062.
gnomAD v4.1: 293 of 1,613,730 alleles (0.018%); highest among the groups gnomAD compares: South Asian, 0.23%; 3 homozygotes.

Submission:

PreventionGenetics, part of Exact Sciences
Classification: Likely benign for TOP3B-related condition. Last evaluated: 2022-02-03. Review status: no assertion criteria provided. Collection method: clinical testing. Allele origin: germline.
Comment: This variant is classified as likely benign based on ACMG/AMP sequence variant interpretation guidelines (Richards et al. 2015 PMID: 25741868, with internal and published modifications).

NM_001282112.2(TOP3B):c.1583C>T (p.Thr528Met)

Gene: TOP3B (DNA topoisomerase III beta; minus strand). Cytogenetic location: 22q11.22.
Variant type: single nucleotide variant.
Coding change: c.1583C>T on transcript NM_001282112.2 (MANE Select); coding-DNA position 1583, C replaced by T.
Protein change: p.Thr528Met; replaces threonine 528 with methionine.
Molecular consequence: missense variant. On other transcripts: non-coding transcript variant (1).
Genome position (GRCh38, 1-based): chr22:21,960,392, G>A on the plus strand (C>T on the coding strand, the complement: TOP3B is on the minus strand). VCF-style: chr22-21960392-G-A. GRCh37 (hg19) VCF-style: chr22-22314764-G-A.
Other names: c.1583C>T, p.Thr528Met (NM_001282113.2, NM_001349845.2, NM_001349847.2 and 1 more transcripts); c.1175C>T, p.Thr392Met (NM_001349848.2, NM_001349850.2, NM_001349851.2 and 1 more transcripts); short protein forms T392M, T528M.
Identifiers: ClinVar variation 3054823 (VCV003054823.2), dbSNP rs147509770, ClinGen allele CA10125506.